The following is an entry in ClinVar:

NM_000326.5(RLBP1):c.396C>T (p.Ser132=)

Gene: RLBP1 (retinaldehyde binding protein 1; minus strand). Cytogenetic location: 15q26.1.
Variant type: single nucleotide variant.
Coding change: c.396C>T on transcript NM_000326.5 (MANE Select); coding-DNA position 396, C replaced by T.
Protein change: p.Ser132=; no amino-acid change (serine 132 retained).
Molecular consequence: synonymous variant.
Genome position (GRCh38, 1-based): chr15:89,215,189, G>A on the plus strand (C>T on the coding strand, the complement: RLBP1 is on the minus strand). VCF-style: chr15-89215189-G-A. GRCh37 (hg19) VCF-style: chr15-89758420-G-A.
Other names: c.396C>T (NM_000326.4).
Identifiers: ClinVar variation 1637718 (VCV001637718.10), dbSNP rs770677786, ClinGen allele CA7722294.

ClinVar aggregate classification (germline): Likely benign. Review status: criteria provided, multiple submitters, no conflicts (2 of 4 stars). 3 submissions from 3 submitters: Likely benign (3). Last evaluated 2025-07-22.

Conditions:
RLBP1-related disorder. Also called: RLBP1-related disorders; RLBP1-related condition. Identifiers: MedGen CN239413.

Allele frequency attached by ClinVar (database versions not stated): gnomAD exomes below 0.00001 and 0.00001; ExAC 0.00002.

Submissions (3):

PreventionGenetics, part of Exact Sciences
Classification: Likely benign for RLBP1-related condition. Last evaluated: 2025-07-22. Review status: criteria provided, single submitter. Criteria: ACMG Guidelines, 2015. Collection method: clinical testing. Allele origin: germline.
Comment: This variant is classified as likely benign based on ACMG/AMP sequence variant interpretation guidelines (Richards et al. 2015 PMID: 25741868, with internal and published modifications).

Labcorp Genetics (formerly Invitae), Labcorp
Classification: Likely benign. Last evaluated: 2024-01-01. Review status: criteria provided, single submitter. Criteria: Invitae Variant Classification Sherloc (09022015). Collection method: clinical testing. Allele origin: germline.

Blueprint Genetics
Classification: Likely benign. Last evaluated: 2023-08-23. Review status: criteria provided, single submitter. Criteria: ACMG Guidelines, 2015. Collection method: clinical testing. Allele origin: germline.